The following is an entry in ClinVar:

NM_020166.5(MCCC1):c.684dup (p.Glu229fs)

Gene: MCCC1 (methylcrotonyl-CoA carboxylase subunit 1; minus strand). Cytogenetic location: 3q27.1.
Variant type: Duplication.
Coding change: c.684dup on transcript NM_020166.5 (MANE Select); coding-DNA position 684, one base duplicated (A; older notation c.684dupA).
Protein change: p.Glu229fs; shifts the reading frame from glutamic acid 229.
Molecular consequence: frameshift variant. On other transcripts: non-coding transcript variant (2).
Genome position (GRCh38, 1-based): chr3:183,071,076, T duplicated on the plus strand (A on the coding strand, the reverse complement: MCCC1 is on the minus strand). VCF-style (leftmost placement, unchanged base first): chr3-183071075-C-CT. GRCh37 (hg19) VCF-style: chr3-182788863-C-CT.
Other names: c.684dup (NM_020166.3); c.333dup, p.Glu112fs (NM_001293273.2); c.357dup, p.Glu120fs (NM_001363880.1); c.684dupA (NM_020166.5); short protein forms E112fs, E120fs, E229fs.
Identifiers: ClinVar variation 1803246 (VCV001803246.7), dbSNP rs773583869, ClinGen allele CA2718997.

ClinVar aggregate classification (germline): Pathogenic/Likely pathogenic. Review status: criteria provided, multiple submitters, no conflicts (2 of 4 stars). 4 submissions from 4 submitters: Pathogenic (2); Likely pathogenic (2). Last evaluated 2025-12-03.

Conditions:
3-methylcrotonyl-CoA carboxylase 1 deficiency (MCC1D). Also called: MCC 1 deficiency; 3 Alpha methylcrotonylglycinuria 1; MCCD TYPE 1; METHYLCROTONYLGLYCINURIA TYPE I. Identifiers: Orphanet 6, MedGen CN028786, MONDO:0008861, OMIM 210200.

Allele frequency attached by ClinVar (database versions not stated): TOPMed below 0.00001; ExAC 0.00002; gnomAD exomes 0.00003.

Submissions (4):

Labcorp Genetics (formerly Invitae), Labcorp
Classification: Pathogenic for 3-methylcrotonyl-CoA carboxylase 1 deficiency. Last evaluated: 2025-12-03. Review status: criteria provided, single submitter. Criteria: Invitae Variant Classification Sherloc (09022015). Collection method: clinical testing. Allele origin: germline.
Comment: This sequence change creates a premature translational stop signal (p.Glu229Argfs*8) in the MCCC1 gene. It is expected to result in an absent or disrupted protein product. Loss-of-function variants in MCCC1 are known to be pathogenic (PMID: 11181649, 15359379, 22642865). This variant is present in population databases (rs773583869, gnomAD 0.004%). This premature translational stop signal has been observed in individual(s) with 3 methylcrotonyl-CoA carboxylase deficiency (PMID: 30626930). ClinVar contains an entry for this variant (Variation ID: 1803246). For these reasons, this variant has been classified as Pathogenic.

GeneDx
Classification: Likely pathogenic. Last evaluated: 2024-03-13. Review status: criteria provided, single submitter. Criteria: GeneDx Variant Classification Process June 2021. Collection method: clinical testing. Allele origin: germline. Affected: yes.
Comment: Reported in the published literature in a patient with an abnormal newborn screen who also harbors a splice site variant in the MCCC1 gene (PMID: 30626930); Frameshift variant predicted to result in protein truncation or nonsense mediated decay in a gene for which loss of function is a known mechanism of disease; Not observed at significant frequency in large population cohorts (gnomAD); This variant is associated with the following publications: (PMID: 30626930)

Baylor Genetics
Classification: Pathogenic for 3-methylcrotonyl-CoA carboxylase 1 deficiency. Last evaluated: 2024-03-10. Review status: criteria provided, single submitter. Criteria: ACMG Guidelines, 2015. Collection method: clinical testing. Allele origin: unknown.

Genetics and Molecular Pathology, SA Pathology
Classification: Likely pathogenic for 3-methylcrotonyl-CoA carboxylase 1 deficiency. Last evaluated: 2022-03-25. Review status: criteria provided, single submitter. Criteria: ACMG Guidelines, 2015. Collection method: clinical testing. Allele origin: germline. Inheritance: Autosomal recessive inheritance.

Literature cited by the submitters: PubMed 11181649 (cited by Labcorp Genetics (formerly Invitae), Labcorp); PubMed 15359379 (cited by Labcorp Genetics (formerly Invitae), Labcorp); PubMed 22642865 (cited by Labcorp Genetics (formerly Invitae), Labcorp); PubMed 30626930 (cited by Labcorp Genetics (formerly Invitae), Labcorp).